The following is an entry in ClinVar:

ClinVar aggregate classification (germline): Likely pathogenic (1 of 4 stars; one submission).

Conditions:
Joubert syndrome and related disorders. Identifiers: Orphanet 140874, MedGen C5679612, MONDO:0015369.

Submission:

Women's Health and Genetics/Laboratory Corporation of America, LabCorp
Classification: Likely pathogenic for Joubert syndrome and related disorders. Last evaluated: 2024-10-10. Review status: criteria provided, single submitter. Criteria: LabCorp Variant Classification Summary - May 2015. Collection method: clinical testing. Allele origin: germline.
Comment: Variant summary: TMEM67 c.652-1G>A is located in a canonical splice-site and is predicted to affect mRNA splicing resulting in a significantly altered protein due to either exon skipping, shortening, or inclusion of intronic material. Variants that disrupt the consensus splice site are a relatively common cause of aberrant splicing and loss of TMEM67 function. Several computational tools predict a significant impact on normal splicing: Four predict the variant abolishes a canonical 3' acceptor site. Three predict the variant creates a cryptic 3' acceptor site 1 bp away. However, these predictions have yet to be confirmed by functional studies. The frequency data for this variant in gnomAD is considered unreliable, as metrics indicate poor data quality at this position. c.652-1G>A has been reported in the literature in an individual affected with Joubert Syndrome And Related Disorders (Zhu_2022). To our knowledge, no experimental evidence demonstrating an impact on protein function has been reported. The following publication has been ascertained in the context of this evaluation (PMID: 36008300). No submitters have cited clinical-significance assessments for this variant to ClinVar. Based on the evidence outlined above, the variant was classified as likely pathogenic.

Literature cited by the submitters: PubMed 36008300.

NM_153704.6(TMEM67):c.652-1G>A

Gene: TMEM67 (transmembrane protein 67; plus strand). Cytogenetic location: 8q22.1.
Variant type: single nucleotide variant.
Coding change: c.652-1G>A on transcript NM_153704.6 (MANE Select); the canonical splice acceptor site of the intron before coding-DNA position 652, G replaced by A.
Molecular consequence: splice acceptor variant.
Genome position (GRCh38, 1-based): chr8:93,772,588, G>A. VCF-style: chr8-93772588-G-A. GRCh37 (hg19) VCF-style: chr8-94784816-G-A.
Other names: c.409-1G>A (NM_001142301.1).
Identifiers: ClinVar variation 3384788 (VCV003384788.1).